The following is an entry in ClinVar:

ClinVar aggregate classification (germline): Uncertain significance. Review status: criteria provided, multiple submitters, no conflicts (2 of 4 stars). 3 submissions from 3 submitters: Uncertain significance (2). 1 of the submissions does not count toward it. Last evaluated 2025-09-10.

Conditions:
Autosomal recessive limb-girdle muscular dystrophy type 2A (LGMDR1). Also called: Limb-girdle muscular dystrophy, type 2A; Calpainopathy; LEYDEN-MOEBIUS MUSCULAR DYSTROPHY; MUSCULAR DYSTROPHY, PELVOFEMORAL; Muscular dystrophy, limb-girdle, type 2A, Amish. Identifiers: Orphanet 267, MedGen C1869123, MONDO:0009675, OMIM 253600. Disease mechanism: loss of function.

Allele frequency attached by ClinVar (database versions not stated): gnomAD exomes 0.00001 and 0.00002; ExAC 0.00003; TOPMed 0.00005; gnomAD 0.00006; ESP Exome Variant Server 0.00023.
gnomAD v4.1: 31 of 1,614,024 alleles (0.0019%); highest among the groups gnomAD compares: African/African-American, 0.02%; no homozygotes.

Submissions (3):

Labcorp Genetics (formerly Invitae), Labcorp
Classification: Uncertain significance for Autosomal recessive limb-girdle muscular dystrophy type 2A. Last evaluated: 2025-09-10. Review status: criteria provided, single submitter. Criteria: Invitae Variant Classification Sherloc (09022015). Collection method: clinical testing. Allele origin: germline.
Comment: This sequence change replaces proline, which is neutral and non-polar, with leucine, which is neutral and non-polar, at codon 103 of the CAPN3 protein (p.Pro103Leu). This variant is present in population databases (rs148538711, gnomAD 0.03%). This missense change has been observed in individual(s) with clinical features of autosomal dominant limb-girdle muscular dystrophy (PMID: 16141003). ClinVar contains an entry for this variant (Variation ID: 420000). An algorithm developed to predict the effect of missense changes on protein structure and function (PolyPhen-2) suggests that this variant is likely to be tolerated. In summary, the available evidence is currently insufficient to determine the role of this variant in disease. Therefore, it has been classified as a Variant of Uncertain Significance.

GeneDx
Classification: Uncertain significance. Last evaluated: 2016-11-22. Review status: criteria provided, single submitter. Criteria: GeneDx Variant Classification (06012015). Collection method: clinical testing. Allele origin: germline. Affected: yes.
Comment: The P103L variant was previously reported as a heterozygous variant in an individual with limb-girdle muscular dystrophy, however detailed clinical information was not provided and only the CAPN3 gene was evaluated (Piluso et al., 2005). It was not observed with any significant frequency in approximately 6,500 individuals of European and African American ancestry in the NHLBI Exome Sequencing Project. The P103L variant is a semi-conservative amino acid substitution, which may impact secondary protein structure as these residues differ in some properties. This substitution occurs at a position that is conserved in mammals, and missense variants in nearby residues (R101K; P102S) have been reported in the Human Gene Mutation Database in association with limb-girdle muscular dystrophy (Stenson et al., 2014). However, in silico analysis is inconsistent in its predictions as to whether or not the variant is damaging to the protein structure/function.

Natera, Inc.
Classification: Uncertain significance for Limb-girdle muscular dystrophy type 2A. Last evaluated: 2020-02-14. Review status: no assertion criteria provided. Collection method: clinical testing. Allele origin: germline. Not counted in ClinVar's aggregate classification.

Literature cited by the submitters: PubMed 16141003 (cited by Labcorp Genetics (formerly Invitae), Labcorp).

NM_000070.3(CAPN3):c.308C>T (p.Pro103Leu)

Gene: CAPN3 (calpain 3; plus strand). Cytogenetic location: 15q15.1.
Variant type: single nucleotide variant.
Coding change: c.308C>T on transcript NM_000070.3 (MANE Select); coding-DNA position 308, C replaced by T.
Protein change: p.Pro103Leu; replaces proline 103 with leucine.
Molecular consequence: missense variant.
Genome position (GRCh38, 1-based): chr15:42,360,113, C>T. VCF-style: chr15-42360113-C-T. GRCh37 (hg19) VCF-style: chr15-42652311-C-T.
Other names: c.308C>T, p.Pro103Leu (NM_024344.2, NM_173087.2); short protein forms P103L.
Identifiers: ClinVar variation 420000 (VCV000420000.14), dbSNP rs148538711, ClinGen allele CA7510893.